The following is an entry in ClinVar:

ClinVar aggregate classification (germline): Uncertain significance (1 of 4 stars; one submission).

Conditions:
Hypohidrotic X-linked ectodermal dysplasia (XHED). Also called: ECTODERMAL DYSPLASIA, HYPOHIDROTIC, 1; CST SYNDROME; Christ-Siemans-Touraine syndrome; ECTODERMAL DYSPLASIA 1; Ectodermal Dysplasia 1, Anhidrotic; Anhidrotic ectodermal dysplasia X-linked. Identifiers: Orphanet 181, Orphanet 238468, MedGen C0162359, MONDO:0010585, OMIM 305100.

Submission:

Labcorp Genetics (formerly Invitae), Labcorp
Classification: Uncertain significance for Hypohidrotic X-linked ectodermal dysplasia. Last evaluated: 2026-01-21. Review status: criteria provided, single submitter. Criteria: Invitae Variant Classification Sherloc (09022015). Collection method: clinical testing. Allele origin: germline.
Comment: This sequence change replaces arginine, which is basic and polar, with proline, which is neutral and non-polar, at codon 276 of the EDA protein (p.Arg276Pro). This variant is not present in population databases (gnomAD no frequency). This missense change has been observed in individuals with clinical features of ectodermal dysplasia (internal data). ClinVar contains an entry for this variant (Variation ID: 2030802). Invitae Evidence Modeling of protein sequence and biophysical properties (such as structural, functional, and spatial information, amino acid conservation, physicochemical variation, residue mobility, and thermodynamic stability) indicates that this missense variant is not expected to disrupt EDA protein function with a negative predictive value of 80%. This variant disrupts the p.Arg276 amino acid residue in EDA. Other variant(s) that disrupt this residue have been determined to be pathogenic (PMID: 19921643, 21357618). This suggests that this residue is clinically significant, and that variants that disrupt this residue are likely to be disease-causing. In summary, the available evidence is currently insufficient to determine the role of this variant in disease. Therefore, it has been classified as a Variant of Uncertain Significance.

Literature cited by the submitters: PubMed 19921643; PubMed 21357618.

NM_001399.5(EDA):c.827G>C (p.Arg276Pro)

Gene: EDA (ectodysplasin A; plus strand). Cytogenetic location: Xq13.1.
Variant type: single nucleotide variant.
Coding change: c.827G>C on transcript NM_001399.5 (MANE Select); coding-DNA position 827, G replaced by C.
Protein change: p.Arg276Pro; replaces arginine 276 with proline.
Molecular consequence: missense variant.
Genome position (GRCh38, 1-based): chrX:70,033,431, G>C. VCF-style: chrX-70033431-G-C. GRCh37 (hg19) VCF-style: chrX-69253281-G-C.
Other names: c.827G>C, p.Arg276Pro (NM_001005609.2); c.818G>C, p.Arg273Pro (NM_001005612.3); short protein forms R273P, R276P.
Identifiers: ClinVar variation 2030802 (VCV002030802.4), dbSNP rs1057517731, ClinGen allele CA413448827.
Genomic context (GRCh38, chrX:70,033,431, plus strand): 5'-GAGTGACTGCCCTTCTCTCATACTGAGATCTTTCAGGTGGAGTGCTCAATGACTGGTCTC[G>C]CATCACTATGAACCCCAAGGTGTTTAAGCTACATCCCCGCAGCGGGGAGCTGGAGGTACT-3'
Protein context (NP_001390.1, residues 266-286): LSGGVLNDWS[Arg276Pro]ITMNPKVFKL